The following is an entry in ClinVar:

ClinVar aggregate classification (germline): Uncertain significance (1 of 4 stars; one submission).

Conditions:
Familial thoracic aortic aneurysm and aortic dissection (TAAD). Also called: Thoracic aortic aneurysms and dissections. Identifiers: Orphanet 91387, MedGen C4707243, MONDO:0019625.

Submission:

Ambry Genetics
Classification: Uncertain significance for Familial thoracic aortic aneurysm and aortic dissection. Last evaluated: 2024-03-19. Review status: criteria provided, single submitter. Criteria: Ambry Variant Classification Scheme 2023. Collection method: clinical testing. Allele origin: germline.
Comment: The p.D612N variant (also known as c.1834G>A), located in coding exon 16 of the PRKG1 gene, results from a G to A substitution at nucleotide position 1834. The aspartic acid at codon 612 is replaced by asparagine, an amino acid with highly similar properties. This amino acid position is conserved. In addition, this alteration is predicted to be tolerated by in silico analysis. Based on the available evidence, the clinical significance of this alteration remains unclear.

NM_006258.4(PRKG1):c.1834G>A (p.Asp612Asn)

Gene: PRKG1 (protein kinase cGMP-dependent 1; plus strand). Cytogenetic location: 10q21.1.
Variant type: single nucleotide variant.
Coding change: c.1834G>A on transcript NM_006258.4 (MANE Select); coding-DNA position 1834, G replaced by A.
Protein change: p.Asp612Asn; replaces aspartic acid 612 with asparagine.
Molecular consequence: missense variant.
Genome position (GRCh38, 1-based): chr10:52,288,932, G>A. VCF-style: chr10-52288932-G-A. GRCh37 (hg19) VCF-style: chr10-54048692-G-A.
Other names: c.1789G>A, p.Asp597Asn (NM_001098512.3); c.625G>A, p.Asp209Asn (NM_001374781.1); short protein forms D209N, D612N, D597N.
Identifiers: ClinVar variation 3310200 (VCV003310200.1).
Genomic context (GRCh38, chr10:52,288,932, plus strand): 5'-TTTGAAAACATCATAATGTGAAAAAATTAGATTTAATAAAACCATTATTTTATTTTTAGG[G>A]ACAATCCATCAGAAAGATTAGGGAATTTGAAAAATGGAGTAAAAGACATTCAAAAGCACA-3'
Protein context (NP_006249.1, residues 602-622): AANLIKKLCR[Asp612Asn]NPSERLGNLK